The following is an entry in ClinVar:

NM_001039876.3(SYNE4):c.209C>T (p.Pro70Leu)

Gene: SYNE4 (spectrin repeat containing nuclear envelope family member 4; minus strand). Cytogenetic location: 19q13.12.
Variant type: single nucleotide variant.
Coding change: c.209C>T on transcript NM_001039876.3 (MANE Select); coding-DNA position 209, C replaced by T.
Protein change: p.Pro70Leu; replaces proline 70 with leucine.
Molecular consequence: missense variant.
Genome position (GRCh38, 1-based): chr19:36,008,287, G>A on the plus strand (C>T on the coding strand, the complement: SYNE4 is on the minus strand). VCF-style: chr19-36008287-G-A. GRCh37 (hg19) VCF-style: chr19-36499189-G-A.
Other names: c.209C>T, p.Pro70Leu (NM_001297735.3); short protein forms P70L.
Identifiers: ClinVar variation 2430975 (VCV002430975.1), dbSNP rs1968452255, ClinGen allele CA405435969.
Genomic context (GRCh38, chr19:36,008,287, plus strand): 5'-TTGCCCCCAGCTGGGTCCTCGTAGGAAGAGGGTGTTGACCATCTCGGGGGGTGAGCGGCA[G>A]GCTCATTGCCCCTTGGCCCACCCTGGAAGTGCTCAGGAGGGCCCAAGGAGTCCTGTCCCA-3'
Protein context (NP_001034965.1, residues 60-80): HFQGGPRGNE[Pro70Leu]AAHPPRWSTP

ClinVar aggregate classification (germline): Uncertain significance (1 of 4 stars; one submission).

Allele frequency attached by ClinVar (database versions not stated): gnomAD 0.00001; TOPMed 0.00001.
gnomAD v4.1: 1 of 1,598,460 alleles (0.000063%); highest among the groups gnomAD compares: African/African-American, 0.0013%; no homozygotes.

Submission:

GeneDx
Classification: Uncertain significance. Last evaluated: 2022-08-24. Review status: criteria provided, single submitter. Criteria: GeneDx Variant Classification Process June 2021. Collection method: clinical testing. Allele origin: germline. Affected: yes.
Comment: Not observed at significant frequency in large population cohorts (gnomAD); In silico analysis supports that this missense variant has a deleterious effect on protein structure/function; Has not been previously published as pathogenic or benign to our knowledge